The following is an entry in ClinVar:

ClinVar aggregate classification (germline): Uncertain significance (1 of 4 stars; one submission).

gnomAD v4.1: 2 of 1,156,027 alleles (0.00017%); highest among the groups gnomAD compares: Admixed American, 0.0023%; no homozygotes.

Submission:

Dasa
Classification: Uncertain significance. Last evaluated: 2025-08-04. Review status: criteria provided, single submitter. Criteria: DASA Assertion Criteria. Collection method: clinical testing. Allele origin: germline.
Comment: NM_014370.4(SRPK3):c.767A>T (p.Glu256Val) is a missense variant that results in the substitution of glutamic acid with valine. This variant is rare in population databases. Computational prediction algorithms are consistent with a benign effect. The currently available literature and clinical evidence are not sufficient to establish a definitive association between this variant and the reported condition. Therefore, this variant is classified as a variant of uncertain significance.

NM_014370.4(SRPK3):c.767A>T (p.Glu256Val)

Gene: SRPK3 (SRSF protein kinase 3; plus strand). Cytogenetic location: Xq28.
Variant type: single nucleotide variant.
Coding change: c.767A>T on transcript NM_014370.4 (MANE Select); coding-DNA position 767, A replaced by T.
Protein change: p.Glu256Val; replaces glutamic acid 256 with valine.
Molecular consequence: missense variant.
Genome position (GRCh38, 1-based): chrX:153,783,244, A>T. VCF-style: chrX-153783244-A-T. GRCh37 (hg19) VCF-style: chrX-153048699-A-T.
Other names: c.767A>T, p.Glu256Val (NM_001170760.2, NM_001170761.2); short protein forms E256V.
Identifiers: ClinVar variation 4885540 (VCV004885540.2).